The following is an entry in ClinVar:

ClinVar aggregate classification (germline): Likely pathogenic. Review status: reviewed by expert panel (3 of 4 stars). 3 submissions from 3 submitters: Likely pathogenic (1). 2 of the submissions do not count toward it. Last evaluated 2023-04-01.

Conditions:
Phenylketonuria (PKU). Also called: FOLLING DISEASE; Phenylketonurias; Phenylketonuria (PKU); OLIGOPHRENIA PHENYLPYRUVICA. Identifiers: Orphanet 716, MedGen C0031485, MONDO:0009861, OMIM 261600. Disease mechanism: loss of function.

Allele frequency attached by ClinVar (database versions not stated): gnomAD exomes below 0.00001; gnomAD 0.00001.
gnomAD v4.1: 2 of 1,613,272 alleles (0.00012%); highest among the groups gnomAD compares: African/African-American, 0.0013%; no homozygotes.

Submissions (3):

ClinGen PAH Variant Curation Expert Panel
Classification: Likely pathogenic for Phenylketonuria. Last evaluated: 2023-04-01. Review status: reviewed by expert panel. Criteria: ClinGen PAH ACMG Specifications v1. Collection method: curation. Allele origin: germline. Inheritance: Autosomal recessive inheritance.
Comment: The c.994G>A (p.Gly332Arg) variant in PAH is a missense variant predicted to cause substitution of glycine by arginine at amino acid 332. It has been detected in 2 patients with PAH deficiency; one with pathogenic variant c.1162G>A, phase unconfirmed (PMID: 29749107) and the other with pathogenic variant deletion of exon 5 in the PAH gene, phase unconfirmed (PMID: 23942198). This variant has extremely low frequency in gnomAD (MAF=0.00006) in the European (Non-Finnish) population. Multiple lines of computational evidence support a deleterious effect. In summary, this variant meets criteria to be classified as Likely Pathogenic for PAH deficiency based on the ACMG/AMP criteria applied, as specified by the ClinGen PAH VCEP: PM2, PM3, PP3, PP4_moderate.

Labcorp Genetics (formerly Invitae), Labcorp
Classification: Pathogenic for Phenylketonuria. Last evaluated: 2024-12-12. Review status: criteria provided, single submitter. Criteria: Invitae Variant Classification Sherloc (09022015). Collection method: clinical testing. Allele origin: germline. Not counted in ClinVar's aggregate classification.
Comment: This sequence change replaces glycine, which is neutral and non-polar, with arginine, which is basic and polar, at codon 332 of the PAH protein (p.Gly332Arg). This variant is present in population databases (no rsID available, gnomAD 0.007%). This missense change has been observed in individual(s) with phenylketonuria (PMID: 23942198, 29749107, 32668217; internal data). ClinVar contains an entry for this variant (Variation ID: 2573212). Invitae Evidence Modeling of protein sequence and biophysical properties (such as structural, functional, and spatial information, amino acid conservation, physicochemical variation, residue mobility, and thermodynamic stability) indicates that this missense variant is expected to disrupt PAH protein function with a positive predictive value of 80%. Algorithms developed to predict the effect of sequence changes on RNA splicing suggest that this variant may disrupt the consensus splice site. This variant disrupts the p.Gly332 amino acid residue in PAH. Other variant(s) that disrupt this residue have been determined to be pathogenic (PMID: 15503242). This suggests that this residue is clinically significant, and that variants that disrupt this residue are likely to be disease-causing. For these reasons, this variant has been classified as Pathogenic.

Baylor Genetics
Classification: Likely pathogenic for Phenylketonuria. Last evaluated: 2023-04-10. Review status: criteria provided, single submitter. Criteria: ACMG Guidelines, 2015. Collection method: clinical testing. Allele origin: unknown. Not counted in ClinVar's aggregate classification.

Literature cited by the submitters: PubMed 23942198 (cited by Labcorp Genetics (formerly Invitae), Labcorp); PubMed 29749107 (cited by Labcorp Genetics (formerly Invitae), Labcorp); PubMed 32668217 (cited by Labcorp Genetics (formerly Invitae), Labcorp); PubMed 15503242 (cited by Labcorp Genetics (formerly Invitae), Labcorp).

NM_000277.3(PAH):c.994G>A (p.Gly332Arg)

Gene: PAH (phenylalanine hydroxylase; minus strand). Cytogenetic location: 12q23.2.
Variant type: single nucleotide variant.
Coding change: c.994G>A on transcript NM_000277.3 (MANE Select); coding-DNA position 994, G replaced by A.
Protein change: p.Gly332Arg; replaces glycine 332 with arginine.
Molecular consequence: missense variant.
Genome position (GRCh38, 1-based): chr12:102,844,407, C>T on the plus strand (G>A on the coding strand, the complement: PAH is on the minus strand). VCF-style: chr12-102844407-C-T. GRCh37 (hg19) VCF-style: chr12-103238185-C-T.
Other names: NM_001354304.2:c.994G>A; c.994G>A, p.Gly332Arg (NM_001354304.2); short protein forms G332R.
Identifiers: ClinVar variation 2573212 (VCV002573212.4), dbSNP rs1187270724, ClinGen allele CA386493486.
Genomic context (GRCh38, chr12:102,844,407, plus strand): 5'-CAAAGGATGACAGGAGCCCAGCACCATATGCCTTTATGGAGTCTCCTTGTTTGCAGAGCC[C>T]AAACTCCACAGTAAACCAGTAAATCTGGAATGGAAAGTCAATCTGAGAGCACACTCTATG-3'
Protein context (NP_000268.1, residues 322-342): ATIYWFTVEF[Gly332Arg]LCKQGDSIKA